The following is an entry in ClinVar:

ClinVar aggregate classification (germline): Uncertain significance (3 of 4 stars; one submission).

Conditions:
Open-angle glaucoma. Identifiers: MedGen C0017612, MONDO:0005338, HP:0012108.

Allele frequency attached by ClinVar (database versions not stated): gnomAD 0.00001; ExAC 0.00003; TOPMed 0.00001.
gnomAD v4.1: 58 of 1,608,468 alleles (0.0036%); highest among the groups gnomAD compares: Non-Finnish European, 0.0045%; no homozygotes.

Submission:

ClinGen Glaucoma Variant Curation Expert Panel
Classification: Uncertain significance for Open-angle glaucoma. Last evaluated: 2025-10-08. Review status: reviewed by expert panel. Criteria: ClinGen Glaucoma ACMG Specifications V2.0.0 Approved. Collection method: curation. Allele origin: germline. Inheritance: Autosomal dominant inheritance.
Comment: The c.886C>T variant in MYOC is a missense variant predicted to cause substitution of Arginine by Cysteine at amino acid 296 (p.Arg296Cys). The highest minor allele frequency of this variant was in the European (non-Finnish) genetic ancestry group of gnomAD (v4.1.0) = 0.00004505 (53 alleles out of 1,176,462), which met the ≤ 0.0001 threshold set for PM2_Supporting in a genetic ancestry group of at least 10,000 alleles. The REVEL score = 0.827, which was within the 0.773-0.931 range for PP3_Moderate, predicting a damaging effect on MYOC function. There was no functional evidence predicting a damaging or benign impact of this variant on MYOC function. Only 1 proband with primary open angle glaucoma had been reported (PMID: 19407846), not meeting the ≥ 2 probands threshold required to meet PS4_Supporting. In summary, this variant met the criteria to receive a score of 3 and to be classified as a variant of uncertain significance (uncertain significance classification range -1 to 5, adapted from PMID: 32720330) for primary open angle glaucoma based on the ACMG/AMP criteria met, as specified by the ClinGen Glaucoma VCEP (v2.0.0, 5 Dec 2024): PP3_Moderate, PM2_Supporting

NM_000261.2(MYOC):c.886C>T (p.Arg296Cys)

Gene: MYOC (myocilin; minus strand). Cytogenetic location: 1q24.3.
Variant type: single nucleotide variant.
Coding change: c.886C>T on transcript NM_000261.2 (MANE Select); coding-DNA position 886, C replaced by T.
Protein change: p.Arg296Cys; replaces arginine 296 with cysteine.
Molecular consequence: missense variant.
Genome position (GRCh38, 1-based): chr1:171,636,554, G>A on the plus strand (C>T on the coding strand, the complement: MYOC is on the minus strand). VCF-style: chr1-171636554-G-A. GRCh37 (hg19) VCF-style: chr1-171605694-G-A.
Other names: NM_000261.2:c.886C>T; short protein forms R296C.
Identifiers: ClinVar variation 1810373 (VCV001810373.2), dbSNP rs759114694, ClinGen allele CA1244128.